The following is an entry in ClinVar:

NM_002315.3(LMO1):c.385T>A (p.Phe129Ile)

Gene: LMO1 (LIM domain only 1; minus strand). Cytogenetic location: 11p15.4.
Variant type: single nucleotide variant.
Coding change: c.385T>A on transcript NM_002315.3 (MANE Select); coding-DNA position 385, T replaced by A.
Protein change: p.Phe129Ile; replaces phenylalanine 129 with isoleucine.
Molecular consequence: missense variant. On other transcripts: non-coding transcript variant (1).
Genome position (GRCh38, 1-based): chr11:8,224,702, A>T on the plus strand (T>A on the coding strand, the complement: LMO1 is on the minus strand). VCF-style: chr11-8224702-A-T. GRCh37 (hg19) VCF-style: chr11-8246249-A-T.
Other names: c.382T>A, p.Phe128Ile (NM_001270428.2); c.385T>A (NM_002315.1); short protein forms F128I, F129I.
Identifiers: ClinVar variation 1050265 (VCV001050265.4), dbSNP rs2134505216, ClinGen allele CA379580519.
Genomic context (GRCh38, chr11:8,224,702, plus strand): 5'-CATTGAGCTGCCCTTCCTCATAGTCCATCTGACACAAGATCATGTTGTTCTTCAGGAAGA[A>T]TTTGTCTCCCACACAAAATCTAGAAAATCCAAGCGAGAGAGAGAAGCCATGGGAAGGTCC-3'
Protein context (NP_002306.1, residues 119-139): CNQRFCVGDK[Phe129Ile]FLKNNMILCQ

ClinVar aggregate classification (germline): Uncertain significance. Review status: criteria provided, single submitter (1 of 4 stars). 2 submissions from 2 submitters: Uncertain significance (1). 1 of the submissions does not count toward it. Last evaluated 2021-09-16.

Submissions (2):

Ambry Genetics
Classification: Uncertain significance. Last evaluated: 2021-09-16. Review status: criteria provided, single submitter. Criteria: Ambry Variant Classification Scheme 2023. Collection method: clinical testing. Allele origin: germline.

Department of Pathology and Laboratory Medicine, Sinai Health System
Classification: Uncertain significance. Review status: no assertion criteria provided. Collection method: clinical testing. Allele origin: unknown. Affected: yes. Study: The Canadian Open Genetics Repository (COGR). Not counted in ClinVar's aggregate classification.
Comment: The LMO1 p.Phe128Ile variant was not identified in the literature nor was it identified in dbSNP, ClinVar, Cosmic, LOVD 3.0 or in the following control databases: the 1000 Genomes Project, the NHLBI GO Exome Sequencing Project, the Exome Aggregation Consortium (August 8th 2016), or the Genome Aggregation Database (Feb 27, 2017). The p.Phe128 residue is conserved in mammals and computational analyses (PolyPhen-2, SIFT, AlignGVGD, BLOSUM, MutationTaster) provide inconsistent predictions regarding the impact to the protein; this information is not very predictive of pathogenicity. The variant occurs outside of the splicing consensus sequence and in silico or computational prediction software programs (SpliceSiteFinder, MaxEntScan, NNSPLICE, GeneSplicer) do not predict a difference in splicing. In summary, based on the above information the clinical significance of this variant cannot be determined with certainty at this time. This variant is classified as a variant of uncertain significance.